The following is an entry in ClinVar:

ClinVar aggregate classification (germline): Conflicting classifications of pathogenicity. Review status: criteria provided, conflicting classifications (1 of 4 stars). 6 submissions from 6 submitters: Uncertain significance (1); Benign (2); Likely benign (3). Last evaluated 2026-09-01.

Conditions:
Autosomal recessive ataxia due to ubiquinone deficiency. Also called: SPINOCEREBELLAR ATAXIA, AUTOSOMAL RECESSIVE 9; Coenzyme Q10 deficiency, primary, 4. Identifiers: Orphanet 139485, MedGen C2677589, MONDO:0012784, OMIM 612016.

Allele frequency attached by ClinVar (database versions not stated): TOPMed 0.00035; gnomAD exomes 0.00037 and 0.00069; ExAC 0.00038; gnomAD 0.00042 and 0.00043; ESP Exome Variant Server 0.00054; 1000 Genomes Project 30x 0.00062; 1000 Genomes Project 0.00080.
gnomAD v4.1: 1,074 of 1,613,938 alleles (0.067%); highest among the groups gnomAD compares: Non-Finnish European, 0.085%; 1 homozygote.

Submissions (6):

CeGaT Center for Human Genetics Tuebingen
Classification: Likely benign. Last evaluated: 2026-09-01. Review status: criteria provided, single submitter. Criteria: CeGaT Center For Human Genetics Tuebingen Variant Classification Criteria Version 2. Collection method: clinical testing. Allele origin: germline. Affected: yes. Observed: 6 variant alleles.
Comment: COQ8A: BP4, BP7

Labcorp Genetics (formerly Invitae), Labcorp
Classification: Likely benign. Last evaluated: 2026-01-23. Review status: criteria provided, single submitter. Criteria: Invitae Variant Classification Sherloc (09022015). Collection method: clinical testing. Allele origin: germline.

Athena Diagnostics
Classification: Benign. Last evaluated: 2025-06-27. Review status: criteria provided, single submitter. Criteria: Athena Diagnostics Criteria. Collection method: clinical testing. Allele origin: unknown.
Comment: The frequency of this variant in the general population is higher than would generally be expected for pathogenic variants in this gene. Computational tools yielded predictions that this variant is unlikely to have an effect on normal RNA splicing. This nucleotide position exhibits low evolutionary conservation.

Blueprint Genetics
Classification: Likely benign. Last evaluated: 2024-09-03. Review status: criteria provided, single submitter. Criteria: ACMG Guidelines, 2015. Collection method: clinical testing. Allele origin: germline.

Illumina Laboratory Services, Illumina
Classification: Uncertain significance for Autosomal recessive ataxia due to ubiquinone deficiency. Last evaluated: 2018-01-12. Review status: criteria provided, single submitter. Criteria: ICSL Variant Classification Criteria 13 December 2019. Collection method: clinical testing. Allele origin: germline.

GeneDx
Classification: Benign. Last evaluated: 2013-12-02. Review status: criteria provided, single submitter. Criteria: GeneDx Variant Classification (06012015). Collection method: clinical testing. Allele origin: germline. Affected: yes.
Comment: This variant is considered likely benign or benign based on one or more of the following criteria: it is a conservative change, it occurs at a poorly conserved position in the protein, it is predicted to be benign by multiple in silico algorithms, and/or has population frequency not consistent with disease.

NM_020247.5(COQ8A):c.258A>C (p.Ala86=)

Gene: COQ8A (coenzyme Q8A; plus strand). Cytogenetic location: 1q42.13.
Variant type: single nucleotide variant.
Coding change: c.258A>C on transcript NM_020247.5 (MANE Select); coding-DNA position 258, A replaced by C.
Protein change: p.Ala86=; no amino-acid change (alanine 86 retained).
Molecular consequence: synonymous variant.
Genome position (GRCh38, 1-based): chr1:226,965,080, A>C. VCF-style: chr1-226965080-A-C. GRCh37 (hg19) VCF-style: chr1-227152781-A-C.
Other names: p.A86A:GCA>GCC.
Identifiers: ClinVar variation 136298 (VCV000136298.43), dbSNP rs137872711, ClinGen allele CA289302.